The following is an entry in ClinVar:

NC_000007.13:g.(?_87092054)_(87092244_?)del

Gene: ABCB4 (ATP binding cassette subfamily B member 4; minus strand). Cytogenetic location: 7q21.12.
Variant type: Deletion.
Identifiers: ClinVar variation 2423100 (VCV002423100.4).

ClinVar aggregate classification (germline): Pathogenic (1 of 4 stars; one submission).

Submission:

Labcorp Genetics (formerly Invitae), Labcorp
Classification: Pathogenic. Last evaluated: 2022-09-01. Review status: criteria provided, single submitter. Criteria: Invitae Variant Classification Sherloc (09022015). Collection method: clinical testing. Allele origin: germline.
Comment: For these reasons, this variant has been classified as Pathogenic. A similar copy number variant has been observed in individual(s) with low-phospholipid-associated cholelithiasis syndrome (PMID: 25544413). This variant is a gross deletion of the genomic region encompassing exon(s) 4 of the ABCB4 gene. This deletion is out-of-frame, and is expected to create a premature termination codon and result in an absent or disrupted protein product. Loss-of-function variants in ABCB4 are known to be pathogenic (PMID: 17726488, 25755532).

Literature cited by the submitters: PubMed 25544413; PubMed 17726488; PubMed 25755532.